The following is an entry in ClinVar:

ClinVar aggregate classification (germline): Uncertain significance (1 of 4 stars; one submission).

Submission:

GeneDx
Classification: Uncertain significance. Last evaluated: 2024-01-23. Review status: criteria provided, single submitter. Criteria: GeneDx Variant Classification Process June 2021. Collection method: clinical testing. Allele origin: germline. Affected: yes.
Comment: Not observed at significant frequency in large population cohorts (gnomAD); In silico analysis supports that this missense variant has a deleterious effect on protein structure/function; Has not been previously published as pathogenic or benign to our knowledge

NM_006015.6(ARID1A):c.2570G>C (p.Arg857Thr)

Gene: ARID1A (AT-rich interaction domain 1A; plus strand). Cytogenetic location: 1p36.11.
Variant type: single nucleotide variant.
Coding change: c.2570G>C on transcript NM_006015.6 (MANE Select); coding-DNA position 2570, G replaced by C.
Protein change: p.Arg857Thr; replaces arginine 857 with threonine.
Molecular consequence: missense variant.
Genome position (GRCh38, 1-based): chr1:26,763,123, G>C. VCF-style: chr1-26763123-G-C. GRCh37 (hg19) VCF-style: chr1-27089614-G-C.
Other names: c.2570G>C, p.Arg857Thr (NM_139135.4); short protein forms R857T.
Identifiers: ClinVar variation 3368295 (VCV003368295.1).